The following is an entry in ClinVar:

ClinVar aggregate classification (germline): Uncertain significance (1 of 4 stars; one submission).

Submission:

GeneDx
Classification: Uncertain significance. Last evaluated: 2025-10-16. Review status: criteria provided, single submitter. Criteria: GeneDx Variant Classification Process June 2021. Collection method: clinical testing. Allele origin: germline. Affected: yes.
Comment: Not observed at significant frequency in large population cohorts (gnomAD); In silico analysis supports that this missense variant has a deleterious effect on protein structure/function; Has not been previously published as pathogenic or benign to our knowledge

NM_030624.3(KLHL15):c.398G>A (p.Cys133Tyr)

Gene: KLHL15 (kelch like family member 15; minus strand). Cytogenetic location: Xp22.11.
Variant type: single nucleotide variant.
Coding change: c.398G>A on transcript NM_030624.3 (MANE Select); coding-DNA position 398, G replaced by A.
Protein change: p.Cys133Tyr; replaces cysteine 133 with tyrosine.
Molecular consequence: missense variant.
Genome position (GRCh38, 1-based): chrX:24,006,296, C>T on the plus strand (G>A on the coding strand, the complement: KLHL15 is on the minus strand). VCF-style: chrX-24006296-C-T. GRCh37 (hg19) VCF-style: chrX-24024413-C-T.
Other names: short protein forms C133Y.
Identifiers: ClinVar variation 2582134 (VCV002582134.2), dbSNP rs2518541874, ClinGen allele CA412596424.